The following is an entry in ClinVar:

ClinVar aggregate classification (germline): Conflicting classifications of pathogenicity. Review status: criteria provided, conflicting classifications (1 of 4 stars). 4 submissions from 4 submitters: Likely pathogenic (2); Uncertain significance (2). Last evaluated 2025-12-17.

Conditions:
Hereditary spastic paraplegia 4. Also called: Spastic Paraplegia 4; Familial spastic paraplegia autosomal dominant 2; Spastic paraplegia 4, autosomal dominant. Identifiers: Orphanet 100985, MedGen C1866855, MONDO:0008438, OMIM 182601.

Submissions (4):

Labcorp Genetics (formerly Invitae), Labcorp
Classification: Uncertain significance for Hereditary spastic paraplegia 4. Last evaluated: 2025-12-17. Review status: criteria provided, single submitter. Criteria: Invitae Variant Classification Sherloc (09022015). Collection method: clinical testing. Allele origin: germline.
Comment: This sequence change replaces serine, which is neutral and polar, with proline, which is neutral and non-polar, at codon 588 of the SPAST protein (p.Ser588Pro). This variant is not present in population databases (gnomAD no frequency). This missense change has been observed in individual(s) with spastic paraplegia (internal data). ClinVar contains an entry for this variant (Variation ID: 430449). Invitae Evidence Modeling of protein sequence and biophysical properties (such as structural, functional, and spatial information, amino acid conservation, physicochemical variation, residue mobility, and thermodynamic stability) indicates that this missense variant is expected to disrupt SPAST protein function with a positive predictive value of 80%. This variant disrupts the p.Ser588 amino acid residue in SPAST. Other variant(s) that disrupt this residue have been observed in individuals with SPAST-related conditions (PMID: 27077743), which suggests that this may be a clinically significant amino acid residue. In summary, the available evidence is currently insufficient to determine the role of this variant in disease. Therefore, it has been classified as a Variant of Uncertain Significance.

Mayo Clinic Laboratories, Mayo Clinic
Classification: Uncertain significance. Last evaluated: 2023-05-31. Review status: criteria provided, single submitter. Criteria: ACMG Guidelines, 2015. Collection method: clinical testing. Allele origin: germline. Observed: 6 variant alleles.
Comment: PP3, PM1, PM2

MGZ Medical Genetics Center
Classification: Likely pathogenic for Hereditary spastic paraplegia 4. Last evaluated: 2022-03-02. Review status: criteria provided, single submitter. Criteria: ACMG Guidelines, 2015. Collection method: clinical testing. Allele origin: germline. Affected: yes. Observed: 1 variant allele.
Comment: ACMG criteria applied: PM1, PS4_SUP, PM2_SUP, PM5_SUP, PP3

GeneDx
Classification: Likely pathogenic. Last evaluated: 2019-09-11. Review status: criteria provided, single submitter. Criteria: GeneDx Variant Classification Process June 2021. Collection method: clinical testing. Allele origin: germline. Affected: yes.
Comment: Not observed in large population cohorts (Lek et al., 2016); The majority of missense variants in this gene are considered pathogenic (Stenson et al., 2014); In silico analysis, which includes protein predictors and evolutionary conservation, supports a deleterious effect; Has not been previously published as pathogenic or benign to our knowledge

Literature cited by the submitters: PubMed 27077743 (cited by Labcorp Genetics (formerly Invitae), Labcorp).

NM_014946.4(SPAST):c.1762T>C (p.Ser588Pro)

Gene: SPAST (spastin; plus strand). Cytogenetic location: 2p22.3.
Variant type: single nucleotide variant.
Coding change: c.1762T>C on transcript NM_014946.4 (MANE Select); coding-DNA position 1762, T replaced by C.
Protein change: p.Ser588Pro; replaces serine 588 with proline.
Molecular consequence: missense variant. On other transcripts: 3 prime UTR variant (1).
Genome position (GRCh38, 1-based): chr2:32,154,407, T>C. VCF-style: chr2-32154407-T-C. GRCh37 (hg19) VCF-style: chr2-32379476-T-C.
Other names: p.Ser588Pro; c.1759T>C, p.Ser587Pro (NM_001363823.2); c.1663T>C, p.Ser555Pro (NM_001363875.2); c.*35T>C (NM_001377959.1); c.1666T>C, p.Ser556Pro (NM_199436.2); short protein forms S588P, S555P, S556P, S587P.
Identifiers: ClinVar variation 430449 (VCV000430449.7), dbSNP rs1131691972, ClinGen allele CA346505587.